The following is an entry in ClinVar:

ClinVar aggregate classification (germline): Likely benign. Review status: reviewed by expert panel (3 of 4 stars). 2 submissions from 2 submitters: Likely benign (1). 1 of the submissions does not count toward it. Last evaluated 2017-06-29.

Conditions:
Hereditary cancer-predisposing syndrome. Also called: Tumor predisposition; Hereditary Cancer Syndrome; Hereditary neoplastic syndrome; Neoplastic Syndromes, Hereditary. Identifiers: Orphanet 140162, MedGen C0027672, MeSH D009386, MONDO:0015356.
Breast-ovarian cancer, familial, susceptibility to, 2 (BROVCA2). Also called: BRCA2 Hereditary Breast and Ovarian Cancer. Identifiers: Orphanet 145, MedGen C2675520, MONDO:0012933, OMIM 612555. Disease mechanism: loss of function.

Allele frequency attached by ClinVar (database versions not stated): gnomAD exomes below 0.00001.
gnomAD v4.1: 1 of 1,613,952 alleles (0.000062%); highest among the groups gnomAD compares: Non-Finnish European, 0.000085%; no homozygotes.

Submissions (2):

Evidence-based Network for the Interpretation of Germline Mutant Alleles (ENIGMA)
Classification: Likely benign for Breast-ovarian cancer, familial, susceptibility to, 2. Last evaluated: 2017-06-29. Review status: reviewed by expert panel. Criteria: ENIGMA BRCA1/2 Classification Criteria (2017-06-29). Collection method: curation. Allele origin: germline.
Comment: Synonymous substitution variant, with low bioinformatic likelihood to result in a splicing aberration (Splicing prior probability 0.02).

Ambry Genetics
Classification: Likely benign for Hereditary cancer-predisposing syndrome. Last evaluated: 2015-09-01. Review status: criteria provided, single submitter. Criteria: Ambry Autosomal Dominant and X-Linked criteria (10/2015). Collection method: clinical testing. Allele origin: germline. Observed: 1 variant allele. Not counted in ClinVar's aggregate classification.
Comment: Synonymous alterations with insufficient evidence to classify as benign

NM_000059.4(BRCA2):c.4564T>C (p.Leu1522=)

Gene: BRCA2 (BRCA2 DNA repair associated; plus strand). Cytogenetic location: 13q13.1.
Variant type: single nucleotide variant.
Coding change: c.4564T>C on transcript NM_000059.4 (MANE Select); coding-DNA position 4564, T replaced by C.
Protein change: p.Leu1522=; no amino-acid change (leucine 1522 retained).
Molecular consequence: synonymous variant.
Genome position (GRCh38, 1-based): chr13:32,338,919, T>C. VCF-style: chr13-32338919-T-C. GRCh37 (hg19) VCF-style: chr13-32913056-T-C.
Identifiers: ClinVar variation 233709 (VCV000233709.5), dbSNP rs876660588, ClinGen allele CA10579625.